The following is an entry in ClinVar:

NM_001853.4(COL9A3):c.89_97dup (p.Gly32_Pro33insLeuProGly)

Gene: COL9A3 (collagen type IX alpha 3 chain; plus strand). Cytogenetic location: 20q13.33.
Variant type: Duplication.
Coding change: c.89_97dup on transcript NM_001853.4 (MANE Select); coding-DNA positions 89 to 97, 9 bases duplicated (TCCCCGGCC; older notation c.89_97dupTCCCCGGCC).
Protein change: p.Gly32_Pro33insLeuProGly.
Molecular consequence: inframe insertion.
Genome position (GRCh38, 1-based): chr20:62,817,577-62,817,585, TCCCCGGCC duplicated; duplicating any 9 consecutive bases within chr20:62,817,576-62,817,585 gives the same sequence; the c. name uses the placement nearest the transcript's 3' end. VCF-style (leftmost placement, unchanged base first): chr20-62817575-A-ACTCCCCGGC. GRCh37 (hg19) VCF-style: chr20-61448927-A-ACTCCCCGGC.
Identifiers: ClinVar variation 4803359 (VCV004803359.1).

ClinVar aggregate classification (germline): Uncertain significance (1 of 4 stars; one submission).

Submission:

Labcorp Genetics (formerly Invitae), Labcorp
Classification: Uncertain significance. Last evaluated: 2025-11-03. Review status: criteria provided, single submitter. Criteria: Invitae Variant Classification Sherloc (09022015). Collection method: clinical testing. Allele origin: germline.
Comment: This variant, c.89_97dup, results in the insertion of 3 amino acid(s) of the COL9A3 protein (p.Leu30_Gly32dup), but otherwise preserves the integrity of the reading frame. This variant is present in population databases (no rsID available, gnomAD 0.02%). This variant has not been reported in the literature in individuals affected with COL9A3-related conditions. In summary, the available evidence is currently insufficient to determine the role of this variant in disease. Therefore, it has been classified as a Variant of Uncertain Significance.